The following is an entry in ClinVar:

ClinVar aggregate classification (germline): Uncertain significance (1 of 4 stars; one submission).

Submission:

Labcorp Genetics (formerly Invitae), Labcorp
Classification: Uncertain significance. Last evaluated: 2022-11-22. Review status: criteria provided, single submitter. Criteria: Invitae Variant Classification Sherloc (09022015). Collection method: clinical testing. Allele origin: germline.
Comment: In summary, the available evidence is currently insufficient to determine the role of this variant in disease. Therefore, it has been classified as a Variant of Uncertain Significance. Experimental studies and prediction algorithms are not available or were not evaluated, and the functional significance of this variant is currently unknown. This variant has not been reported in the literature in individuals affected with ATF6-related conditions. This variant results in a copy number gain of the genomic region encompassing exon(s) 10-16 of the ATF6 gene. This region includes the termination codon of the gene. This copy number gain extends beyond the assayed region for this gene and therefore may encompass additional genes. As the precise location of this event is unknown, it may be in tandem or it may be located elsewhere in the genome.

NC_000001.10:g.(?_161816219)_(162040092_?)dup

Genes: ATF6 (activating transcription factor 6; plus strand), NOS1AP (nitric oxide synthase 1 adaptor protein; plus strand), OLFML2B (olfactomedin like 2B; minus strand). Cytogenetic location: 1q23.3.
Variant type: Duplication.
Identifiers: ClinVar variation 1401040 (VCV001401040.4).